The following is an entry in ClinVar:

ClinVar aggregate classification (germline): Uncertain significance. Review status: criteria provided, multiple submitters, no conflicts (2 of 4 stars). 2 submissions from 2 submitters: Uncertain significance (2). Last evaluated 2023-04-20.

Conditions:
Familial cancer of breast. Also called: hereditary breast carcinoma; BREAST CANCER, FAMILIAL; Hereditary breast cancer. Identifiers: Orphanet 227535, MedGen C0346153, MONDO:0016419, OMIM 114480. Disease mechanism: loss of function.
Fanconi anemia complementation group J. Also called: BRIP1-Related Fanconi Anemia. Identifiers: Orphanet 84, MedGen C1836860, MONDO:0012187, OMIM 609054.

Submissions (2):

GeneDx
Classification: Uncertain significance. Last evaluated: 2023-04-20. Review status: criteria provided, single submitter. Criteria: GeneDx Variant Classification Process June 2021. Collection method: clinical testing. Allele origin: germline. Affected: yes.
Comment: Not observed at significant frequency in large population cohorts (gnomAD); In silico analysis supports that this missense variant has a deleterious effect on protein structure/function; Has not been previously published as pathogenic or benign to our knowledge; This variant is associated with the following publications: (PMID: 11301010)

Labcorp Genetics (formerly Invitae), Labcorp
Classification: Uncertain significance for Familial cancer of breast; Fanconi anemia complementation group J. Last evaluated: 2022-06-26. Review status: criteria provided, single submitter. Criteria: Invitae Variant Classification Sherloc (09022015). Collection method: clinical testing. Allele origin: germline.
Comment: This variant is not present in population databases (gnomAD no frequency). This sequence change replaces valine, which is neutral and non-polar, with glycine, which is neutral and non-polar, at codon 389 of the BRIP1 protein (p.Val389Gly). This variant has not been reported in the literature in individuals affected with BRIP1-related conditions. Algorithms developed to predict the effect of missense changes on protein structure and function (SIFT, PolyPhen-2, Align-GVGD) all suggest that this variant is likely to be disruptive. In summary, the available evidence is currently insufficient to determine the role of this variant in disease. Therefore, it has been classified as a Variant of Uncertain Significance.

NM_032043.3(BRIP1):c.1166T>G (p.Val389Gly)

Gene: BRIP1 (BRCA1 interacting DNA helicase 1; minus strand). Cytogenetic location: 17q23.2.
Variant type: single nucleotide variant.
Coding change: c.1166T>G on transcript NM_032043.3 (MANE Select); coding-DNA position 1166, T replaced by G.
Protein change: p.Val389Gly; replaces valine 389 with glycine.
Molecular consequence: missense variant.
Genome position (GRCh38, 1-based): chr17:61,799,274, A>C on the plus strand (T>G on the coding strand, the complement: BRIP1 is on the minus strand). VCF-style: chr17-61799274-A-C. GRCh37 (hg19) VCF-style: chr17-59876635-A-C.
Other names: short protein forms V389G.
Identifiers: ClinVar variation 2010755 (VCV002010755.5), dbSNP rs2145309289, ClinGen allele CA400483777.